The following is an entry in ClinVar:

ClinVar aggregate classification (germline): Uncertain significance. Review status: criteria provided, multiple submitters, no conflicts (2 of 4 stars). 2 submissions from 2 submitters: Uncertain significance (2). Last evaluated 2025-08-13.

Conditions:
Spastic paraplegia. Identifiers: MedGen C0037772, HP:0001258.

Allele frequency attached by ClinVar (database versions not stated): TOPMed 0.00033; ESP Exome Variant Server 0.00038; 1000 Genomes Project 30x 0.00078; 1000 Genomes Project 0.00080.
gnomAD v4.1: 80 of 1,613,824 alleles (0.005%); highest among the groups gnomAD compares: African/African-American, 0.089%; no homozygotes.

Submissions (2):

Ambry Genetics
Classification: Uncertain significance. Last evaluated: 2025-08-13. Review status: criteria provided, single submitter. Criteria: Ambry Variant Classification Scheme 2023. Collection method: clinical testing. Allele origin: germline.

Labcorp Genetics (formerly Invitae), Labcorp
Classification: Uncertain significance for Spastic paraplegia. Last evaluated: 2025-02-16. Review status: criteria provided, single submitter. Criteria: Invitae Variant Classification Sherloc (09022015). Collection method: clinical testing. Allele origin: germline.
Comment: This sequence change replaces arginine, which is basic and polar, with proline, which is neutral and non-polar, at codon 474 of the ARSI protein (p.Arg474Pro). This variant is present in population databases (rs149473787, gnomAD 0.07%), and has an allele count higher than expected for a pathogenic variant. This variant has not been reported in the literature in individuals affected with ARSI-related conditions. ClinVar contains an entry for this variant (Variation ID: 1021329). Invitae Evidence Modeling of protein sequence and biophysical properties (such as structural, functional, and spatial information, amino acid conservation, physicochemical variation, residue mobility, and thermodynamic stability) indicates that this missense variant is expected to disrupt ARSI protein function with a positive predictive value of 80%. In summary, the available evidence is currently insufficient to determine the role of this variant in disease. Therefore, it has been classified as a Variant of Uncertain Significance.

NM_001012301.4(ARSI):c.1421G>C (p.Arg474Pro)

Gene: ARSI (arylsulfatase family member I; minus strand). Cytogenetic location: 5q32.
Variant type: single nucleotide variant.
Coding change: c.1421G>C on transcript NM_001012301.4 (MANE Select); coding-DNA position 1421, G replaced by C.
Protein change: p.Arg474Pro; replaces arginine 474 with proline.
Molecular consequence: missense variant.
Genome position (GRCh38, 1-based): chr5:150,297,503, C>G on the plus strand (G>C on the coding strand, the complement: ARSI is on the minus strand). VCF-style: chr5-150297503-C-G. GRCh37 (hg19) VCF-style: chr5-149677066-C-G.
Other names: c.1421G>C (NM_001012301.2); short protein forms R474P.
Identifiers: ClinVar variation 1021329 (VCV001021329.10), dbSNP rs149473787, ClinGen allele CA3510086.